The following is an entry in ClinVar:

NM_001127649.3(PEX26):c.911G>A (p.Arg304His)

Gene: PEX26 (peroxisomal biogenesis factor 26; plus strand). Cytogenetic location: 22q11.21.
Variant type: single nucleotide variant.
Coding change: c.911G>A on transcript NM_001127649.3 (MANE Select); coding-DNA position 911, G replaced by A.
Protein change: p.Arg304His; replaces arginine 304 with histidine.
Molecular consequence: missense variant.
Genome position (GRCh38, 1-based): chr22:18,088,068, G>A. VCF-style: chr22-18088068-G-A. GRCh37 (hg19) VCF-style: chr22-18570834-G-A.
Other names: p.Arg304His; c.764G>A, p.Arg255His (NM_001199319.2); c.911G>A, p.Arg304His (NM_017929.6); short protein forms R304H, R255H.
Identifiers: ClinVar variation 287097 (VCV000287097.29), dbSNP rs17851387, ClinGen allele CA10093453.

ClinVar aggregate classification (germline): Conflicting classifications of pathogenicity. Review status: criteria provided, conflicting classifications (1 of 4 stars). 8 submissions from 8 submitters: Uncertain significance (2); Likely benign (5). 1 of the submissions does not count toward it. Last evaluated 2026-02-04.

Conditions:
PEX26-related disorder. Also called: PEX26-related condition.
Peroxisome biogenesis disorder 7A (Zellweger). Also called: Peroxisome biogenesis disorder 7A. Identifiers: Orphanet 912, MedGen C3888385, MONDO:0013938, OMIM 614872.
Peroxisome biogenesis disorder 7B (PBD7B). Identifiers: Orphanet 44, MedGen C3553951, MONDO:0013939, OMIM 614873.

Allele frequency attached by ClinVar (database versions not stated): 1000 Genomes Project 0.00060; 1000 Genomes Project 30x 0.00062; gnomAD exomes 0.00107 and 0.00135; gnomAD 0.00114 and 0.00121; TOPMed 0.00117; ExAC 0.00120; ESP Exome Variant Server 0.00177.
gnomAD v4.1: 2,109 of 1,602,860 alleles (0.13%); highest among the groups gnomAD compares: Non-Finnish European, 0.15%; 3 homozygotes.

Submissions (8):

Labcorp Genetics (formerly Invitae), Labcorp
Classification: Likely benign for Peroxisome biogenesis disorder 7A (Zellweger); Peroxisome biogenesis disorder 7B. Last evaluated: 2026-02-04. Review status: criteria provided, single submitter. Criteria: Invitae Variant Classification Sherloc (09022015). Collection method: clinical testing. Allele origin: germline.

CeGaT Center for Human Genetics Tuebingen
Classification: Likely benign. Last evaluated: 2026-01-01. Review status: criteria provided, single submitter. Criteria: CeGaT Center For Human Genetics Tuebingen Variant Classification Criteria Version 2. Collection method: clinical testing. Allele origin: germline. Affected: yes. Observed: 1 variant allele.
Comment: PEX26: BP4

Mayo Clinic Laboratories, Mayo Clinic
Classification: Likely benign. Last evaluated: 2024-12-16. Review status: criteria provided, single submitter. Criteria: ACMG Guidelines, 2015. Collection method: clinical testing. Allele origin: germline. Observed: 1 variant allele.
Comment: BS1

Blueprint Genetics
Classification: Likely benign. Last evaluated: 2024-11-22. Review status: criteria provided, single submitter. Criteria: ACMG Guidelines, 2015. Collection method: clinical testing. Allele origin: germline.

Elsea Laboratory, Baylor College of Medicine
Classification: Uncertain significance for Peroxisome biogenesis disorder 7A (Zellweger); Peroxisome biogenesis disorder 7B. Last evaluated: 2020-04-01. Review status: criteria provided, single submitter. Criteria: ACMG Guidelines, 2015. Collection method: clinical testing. Allele origin: germline. Affected: no.

Illumina Laboratory Services, Illumina
Classification: Uncertain significance for Peroxisome biogenesis disorder 7A (Zellweger). Last evaluated: 2018-01-13. Review status: criteria provided, single submitter. Criteria: ICSL Variant Classification Criteria 13 December 2019. Collection method: clinical testing. Allele origin: germline.

Eurofins Ntd Llc (ga)
Classification: Likely benign. Last evaluated: 2017-01-09. Review status: criteria provided, single submitter. Criteria: EGL Classification Definitions 2015. Collection method: clinical testing. Allele origin: germline. Observed: 3 variant alleles, 3 heterozygotes.

PreventionGenetics, part of Exact Sciences
Classification: Likely benign for PEX26-related condition. Last evaluated: 2019-06-03. Review status: no assertion criteria provided. Collection method: clinical testing. Allele origin: germline. Not counted in ClinVar's aggregate classification.
Comment: This variant is classified as likely benign based on ACMG/AMP sequence variant interpretation guidelines (Richards et al. 2015 PMID: 25741868, with internal and published modifications).